The following is an entry in ClinVar:

NM_001128840.3(CACNA1D):c.1007G>T (p.Gly336Val)

Gene: CACNA1D (calcium voltage-gated channel subunit alpha1 D; plus strand). Cytogenetic location: 3p21.1.
Variant type: single nucleotide variant.
Coding change: c.1007G>T on transcript NM_001128840.3 (MANE Select); coding-DNA position 1007, G replaced by T.
Protein change: p.Gly336Val; replaces glycine 336 with valine.
Molecular consequence: missense variant.
Genome position (GRCh38, 1-based): chr3:53,666,426, G>T. VCF-style: chr3-53666426-G-T. GRCh37 (hg19) VCF-style: chr3-53700453-G-T.
Other names: c.1007G>T, p.Gly336Val (NM_000720.4, NM_001128839.3); short protein forms G336V.
Identifiers: ClinVar variation 1310783 (VCV001310783.2), dbSNP rs1015916666, ClinGen allele CA353383483.
Genomic context (GRCh38, chr3:53,666,426, plus strand): 5'-CATGTGCGTTCTCAGGGAATGGACGCCAGTGTACTGCCAATGGCACGGAATGTAGGAGTG[G>T]CTGGGTTGGCCCGAACGGAGGCATCACCAACTTTGATAACTTTGCCTTTGCCATGCTTAC-3'
Protein context (NP_001122312.1, residues 326-346): CTANGTECRS[Gly336Val]WVGPNGGITN

ClinVar aggregate classification (germline): Uncertain significance (1 of 4 stars; one submission).

gnomAD v4.1: 8 of 1,614,072 alleles (0.0005%); highest among the groups gnomAD compares: Non-Finnish European, 0.00068%; no homozygotes.

Submission:

GeneDx
Classification: Uncertain significance. Last evaluated: 2019-12-02. Review status: criteria provided, single submitter. Criteria: GeneDx Variant Classification Process June 2021. Collection method: clinical testing. Allele origin: germline. Affected: yes.
Comment: In silico analysis, which includes protein predictors and evolutionary conservation, supports a deleterious effect; Has not been previously published as pathogenic or benign to our knowledge